The following is an entry in ClinVar:

NM_000038.6(APC):c.3863del (p.Gly1288fs)

Gene: APC (APC regulator of Wnt signaling pathway; plus strand). Cytogenetic location: 5q22.2.
Variant type: Deletion.
Coding change: c.3863del on transcript NM_000038.6 (MANE Select); coding-DNA position 3863, one base deleted (G; older notation c.3863delG).
Protein change: p.Gly1288fs; shifts the reading frame from glycine 1288.
Molecular consequence: frameshift variant. On other transcripts: non-coding transcript variant (2).
Genome position (GRCh38, 1-based): chr5:112,839,457, G deleted; the last of 2 consecutive G bases (chr5:112,839,456-112,839,457); deleting either gives the same sequence. VCF-style (leftmost placement, unchanged base first): chr5-112839455-AG-A. GRCh37 (hg19) VCF-style: chr5-112175152-AG-A.
Other names: c.3863delG (NM_000038.5); c.3863del, p.Gly1288fs (NM_001127510.3, NM_001354895.2, NM_001407450.1); c.3809del, p.Gly1270fs (NM_001127511.3); c.3917del, p.Gly1306fs (NM_001354896.2, NM_001407447.1, NM_001407448.1 and 1 more transcripts); c.3893del, p.Gly1298fs (NM_001354897.2); c.3788del, p.Gly1263fs (NM_001354898.2); c.3779del, p.Gly1260fs (NM_001354899.2); c.3740del, p.Gly1247fs (NM_001354900.2); and 12 more; short protein forms G1005fs, G1128fs, G1159fs, G1162fs, G1187fs, G1197fs, G1205fs, G1229fs.
Identifiers: ClinVar variation 2583517 (VCV002583517.2), dbSNP rs2533530009, ClinGen allele CA445963752.

ClinVar aggregate classification (germline): Pathogenic/Likely pathogenic. Review status: criteria provided, multiple submitters, no conflicts (2 of 4 stars). 2 submissions from 2 submitters: Pathogenic (1); Likely pathogenic (1). Last evaluated 2025-03-25.

Conditions:
Hereditary cancer-predisposing syndrome. Also called: Tumor predisposition; Hereditary neoplastic syndrome; Neoplastic Syndromes, Hereditary; Hereditary Cancer Syndrome. Identifiers: Orphanet 140162, MedGen C0027672, MeSH D009386, MONDO:0015356.
Familial adenomatous polyposis 1 (FAP1). Also called: POLYPOSIS, ADENOMATOUS INTESTINAL; FAMILIAL ADENOMATOUS POLYPOSIS 1, ATTENUATED. Identifiers: MedGen C2713442, MONDO:0021056, OMIM 175100. Disease mechanism: loss of function.

Submissions (2):

Ambry Genetics
Classification: Likely pathogenic for Hereditary cancer-predisposing syndrome. Last evaluated: 2025-03-25. Review status: criteria provided, single submitter. Criteria: Ambry Variant Classification Scheme 2023. Collection method: clinical testing. Allele origin: germline.
Comment: The c.3863delG variant, located in coding exon 15 of the APC gene, results from a deletion of one nucleotide at nucleotide position 3863, causing a translational frameshift with a predicted alternate stop codon (p.G1288Dfs*17). This alteration occurs at the 3' terminus of theAPC gene, is not expected to trigger nonsense-mediated mRNA decay, and impacts the last 55% of the protein. However, premature stop codons are typically deleterious in nature and the impacted region is critical for protein function and a significant portion of the protein is affected (Ambry internal data). This variant was reported in an individual with features consistent with APC-related familial adenomatous polyposis (Sieber OM et al. Proc Natl Acad Sci USA, 2002 Dec;99:16910-5). This variant is considered to be rare based on population cohorts in the Genome Aggregation Database (gnomAD). Based on the majority of available evidence to date, this variant is likely to be pathogenic.

Myriad Genetics, Inc.
Classification: Pathogenic for Familial adenomatous polyposis 1. Last evaluated: 2023-05-09. Review status: criteria provided, single submitter. Criteria: Myriad Autosomal Dominant, Autosomal Recessive and X-Linked Classification Criteria (2023). Collection method: clinical testing. Allele origin: unknown.
Comment: This variant is considered pathogenic. This variant creates a frameshift predicted to result in premature protein truncation.

Literature cited by the submitters: PubMed 12486240 (cited by Ambry Genetics).